The following is an entry in ClinVar:

NM_000094.4(COL7A1):c.2134G>A (p.Ala712Thr)

Gene: COL7A1 (collagen type VII alpha 1 chain; minus strand). Cytogenetic location: 3p21.31.
Variant type: single nucleotide variant.
Coding change: c.2134G>A on transcript NM_000094.4 (MANE Select); coding-DNA position 2134, G replaced by A.
Protein change: p.Ala712Thr; replaces alanine 712 with threonine.
Molecular consequence: missense variant.
Genome position (GRCh38, 1-based): chr3:48,589,635, C>T on the plus strand (G>A on the coding strand, the complement: COL7A1 is on the minus strand). VCF-style: chr3-48589635-C-T. GRCh37 (hg19) VCF-style: chr3-48627068-C-T.
Other names: short protein forms A712T.
Identifiers: ClinVar variation 2186087 (VCV002186087.6), dbSNP rs368669037, ClinGen allele CA2380982.

ClinVar aggregate classification (germline): Conflicting classifications of pathogenicity. Review status: criteria provided, conflicting classifications (1 of 4 stars). 3 submissions from 3 submitters: Uncertain significance (2); Likely benign (1). Last evaluated 2026-04-20.

Conditions:
COL7A1-related disorder. Also called: COL7A1- related disorders; COL7A1-related condition.

Allele frequency attached by ClinVar (database versions not stated): ExAC 0.00002; gnomAD exomes 0.00003; gnomAD 0.00005; TOPMed 0.00006; ESP Exome Variant Server 0.00008; 1000 Genomes Project 0.00020; 1000 Genomes Project 30x 0.00031.
gnomAD v4.1: 57 of 1,613,792 alleles (0.0035%); highest among the groups gnomAD compares: Middle Eastern, 0.033%; no homozygotes.

Submissions (3):

PreventionGenetics, part of Exact Sciences
Classification: Uncertain significance for COL7A1-related condition. Last evaluated: 2026-04-20. Review status: criteria provided, single submitter. Criteria: ACMG Guidelines, 2015. Collection method: clinical testing. Allele origin: germline.
Comment: The COL7A1 c.2134G>A variant is predicted to result in the amino acid substitution p.Ala712Thr. To our knowledge, this variant has not been reported in the literature. This variant is reported in 0.014% of alleles in individuals of Latino descent in gnomAD. At this time, the clinical significance of this variant is uncertain due to the absence of conclusive functional and genetic evidence.

Labcorp Genetics (formerly Invitae), Labcorp
Classification: Likely benign. Last evaluated: 2026-01-28. Review status: criteria provided, single submitter. Criteria: Invitae Variant Classification Sherloc (09022015). Collection method: clinical testing. Allele origin: germline.

Blueprint Genetics
Classification: Uncertain significance. Last evaluated: 2024-08-30. Review status: criteria provided, single submitter. Criteria: ACMG Guidelines, 2015. Collection method: clinical testing. Allele origin: germline.